The following is an entry in ClinVar:

NM_014797.3(ZBTB24):c.944G>C (p.Ser315Thr)

Gene: ZBTB24 (zinc finger and BTB domain containing 24; minus strand). Cytogenetic location: 6q21.
Variant type: single nucleotide variant.
Coding change: c.944G>C on transcript NM_014797.3 (MANE Select); coding-DNA position 944, G replaced by C.
Protein change: p.Ser315Thr; replaces serine 315 with threonine.
Molecular consequence: missense variant.
Genome position (GRCh38, 1-based): chr6:109,481,083, C>G on the plus strand (G>C on the coding strand, the complement: ZBTB24 is on the minus strand). VCF-style: chr6-109481083-C-G. GRCh37 (hg19) VCF-style: chr6-109802286-C-G.
Other names: c.944G>C, p.Ser315Thr (NM_001164313.2); short protein forms S315T.
Identifiers: ClinVar variation 1000367 (VCV001000367.8), dbSNP rs558624893, ClinGen allele CA3954253.
Genomic context (GRCh38, chr6:109,481,083, plus strand): 5'-CACTACTCCCAATTCTGCAACACACTGCAATCAGCTTTGAAAACATCATTACCTGTGTGG[C>G]TCCTCTGGTGGATTGCTAAAAAGTGATTGTACTTAAAGACCTTGCCACAGTCTTTACAGC-3'
Protein context (NP_055612.2, residues 305-325): YNHFLAIHQR[Ser315Thr]HTGERPFKCN

ClinVar aggregate classification (germline): Uncertain significance (1 of 4 stars; one submission).

Conditions:
Immunodeficiency-centromeric instability-facial anomalies syndrome 2 (ICF2). Identifiers: Orphanet 2268, MedGen C3279748, MONDO:0013553, OMIM 614069.

Allele frequency attached by ClinVar (database versions not stated): gnomAD exomes 0.00001 and 0.00010; gnomAD 0.00002 and 0.00006; TOPMed 0.00003; ExAC 0.00012; 1000 Genomes Project 30x 0.00078; 1000 Genomes Project 0.00080.

Submission:

Labcorp Genetics (formerly Invitae), Labcorp
Classification: Uncertain significance for Immunodeficiency-centromeric instability-facial anomalies syndrome 2. Last evaluated: 2026-01-26. Review status: criteria provided, single submitter. Criteria: Invitae Variant Classification Sherloc (09022015). Collection method: clinical testing. Allele origin: germline.
Comment: This sequence change replaces serine, which is neutral and polar, with threonine, which is neutral and polar, at codon 315 of the ZBTB24 protein (p.Ser315Thr). This variant is present in population databases (rs558624893, gnomAD 0.1%). This variant has not been reported in the literature in individuals affected with ZBTB24-related conditions. ClinVar contains an entry for this variant (Variation ID: 1000367). An algorithm developed to predict the effect of missense changes on protein structure and function (PolyPhen-2) suggests that this variant is likely to be tolerated. In summary, the available evidence is currently insufficient to determine the role of this variant in disease. Therefore, it has been classified as a Variant of Uncertain Significance.